The following is an entry in ClinVar:

ClinVar aggregate classification (germline): Uncertain significance (1 of 4 stars; one submission).

Allele frequency attached by ClinVar (database versions not stated): gnomAD exomes below 0.00001 and 0.00001; TOPMed below 0.00001.
gnomAD v4.1: 4 of 1,613,228 alleles (0.00025%); highest among the groups gnomAD compares: Admixed American, 0.0033%; no homozygotes.

Submission:

Labcorp Genetics (formerly Invitae), Labcorp
Classification: Uncertain significance. Last evaluated: 2024-11-05. Review status: criteria provided, single submitter. Criteria: Invitae Variant Classification Sherloc (09022015). Collection method: clinical testing. Allele origin: germline.
Comment: This sequence change replaces serine, which is neutral and polar, with alanine, which is neutral and non-polar, at codon 36 of the FASTKD2 protein (p.Ser36Ala). This variant is present in population databases (no rsID available, gnomAD 0.003%). This variant has not been reported in the literature in individuals affected with FASTKD2-related conditions. ClinVar contains an entry for this variant (Variation ID: 1396812). An algorithm developed to predict the effect of missense changes on protein structure and function (PolyPhen-2) suggests that this variant¬†is likely to be tolerated. In summary, the available evidence is currently insufficient to determine the role of this variant in disease. Therefore, it has been classified as a Variant of Uncertain Significance.

NM_001136193.2(FASTKD2):c.106T>G (p.Ser36Ala)

Gene: FASTKD2 (FAST kinase domains 2; plus strand). Cytogenetic location: 2q33.3.
Variant type: single nucleotide variant.
Coding change: c.106T>G on transcript NM_001136193.2 (MANE Select); coding-DNA position 106, T replaced by G.
Protein change: p.Ser36Ala; replaces serine 36 with alanine.
Molecular consequence: missense variant.
Genome position (GRCh38, 1-based): chr2:206,766,799, T>G. VCF-style: chr2-206766799-T-G. GRCh37 (hg19) VCF-style: chr2-207631523-T-G.
Other names: c.106T>G, p.Ser36Ala (NM_001136194.2, NM_014929.4); short protein forms S36A.
Identifiers: ClinVar variation 1396812 (VCV001396812.5), dbSNP rs1473721601, ClinGen allele CA350068295.